The following is an entry in ClinVar:

NM_001369.3(DNAH5):c.11313_11314insGCCTGA (p.Gln3772delinsAlaTer)

Genes: DNAH5 (dynein axonemal heavy chain 5; minus strand), LOC107457585 (meiotic recombination hotspot J; plus strand). Cytogenetic location: 5p15.2.
Variant type: Insertion.
Coding change: c.11313_11314insGCCTGA on transcript NM_001369.3 (MANE Select); coding-DNA positions 11313 to 11314, GCCTGA inserted.
Protein change: p.Gln3772delinsAlaTer.
Molecular consequence: nonsense.
Genome position: GRCh38 VCF-style: chr5-13737393-G-GTCAGGC. GRCh37 (hg19) VCF-style: chr5-13737502-G-GTCAGGC.
Identifiers: ClinVar variation 1359661 (VCV001359661.6), dbSNP rs2126621004, ClinGen allele CA2573138443.
Genomic context (GRCh38, chr5:13,737,393, plus strand): 5'-CTGTCCTTTTTGTGTTACTCAGCACGACAATGAGACTTTCATCTTCTACCAGGGACCCCT[G>GTCAGGC]GGTACTTGTCAGGCGGTAAAGCAAGTTATCTTCTAGTTCCTTCATCCTTCTTTTGTTTGC-3'

ClinVar aggregate classification (germline): Pathogenic (1 of 4 stars; one submission).

Conditions:
Primary ciliary dyskinesia. Also called: Ciliary dyskinesia. Identifiers: Orphanet 244, MedGen C0008780, MONDO:0016575, HP:0012265.

Submission:

Labcorp Genetics (formerly Invitae), Labcorp
Classification: Pathogenic for Primary ciliary dyskinesia. Last evaluated: 2021-09-30. Review status: criteria provided, single submitter. Criteria: Invitae Variant Classification Sherloc (09022015). Collection method: clinical testing. Allele origin: germline.
Comment: For these reasons, this variant has been classified as Pathogenic. This variant has not been reported in the literature in individuals affected with DNAH5-related conditions. This variant is not present in population databases (ExAC no frequency). This sequence change creates a premature translational stop signal (p.Thr3771_Gln3772insAla*) in the DNAH5 gene. It is expected to result in an absent or disrupted protein product. Loss-of-function variants in DNAH5 are known to be pathogenic (PMID: 11788826, 16627867).

Literature cited by the submitters: PubMed 11788826; PubMed 16627867.